The following is an entry in ClinVar:

NM_004999.4(MYO6):c.3198C>T (p.Thr1066=)

Gene: MYO6 (myosin VI; plus strand). Cytogenetic location: 6q14.1.
Variant type: single nucleotide variant.
Coding change: c.3198C>T on transcript NM_004999.4 (MANE Select); coding-DNA position 3198, C replaced by T.
Protein change: p.Thr1066=; no amino-acid change (threonine 1066 retained).
Molecular consequence: synonymous variant. On other transcripts: non-coding transcript variant (1).
Genome position (GRCh38, 1-based): chr6:75,907,626, C>T. VCF-style: chr6-75907626-C-T. GRCh37 (hg19) VCF-style: chr6-76617343-C-T.
Other names: c.3129C>T, p.Thr1043= (NM_001300899.2, NM_001368136.1); c.3186C>T, p.Thr1062= (NM_001368137.1); c.3114C>T, p.Thr1038= (NM_001368138.1); c.3225C>T, p.Thr1075= (NM_001368865.1, NM_001368866.1).
Identifiers: ClinVar variation 489052 (VCV000489052.1), dbSNP rs143864052, ClinGen allele CA3897633.

ClinVar aggregate classification (germline): Uncertain significance (1 of 4 stars; one submission).

Allele frequency attached by ClinVar (database versions not stated): ESP Exome Variant Server 0.00008; TOPMed 0.00001.
gnomAD v4.1: 41 of 1,613,460 alleles (0.0025%); highest among the groups gnomAD compares: Non-Finnish European, 0.0033%; no homozygotes.

Submission:

GeneDx
Classification: Uncertain significance. Last evaluated: 2017-08-30. Review status: criteria provided, single submitter. Criteria: GeneDx Variant Classification (06012015). Collection method: clinical testing. Allele origin: germline. Affected: yes.
Comment: The c.3198 C>T variant has not been published as a pathogenic variant, nor has it been reported as a benign variant to our knowledge. The c.3198 C>T variant is observed in 3/66582 (0.0045%) alleles from individuals of European background in the ExAC dataset (Lek et al., 2016). An in-silico splice prediction model predicts that c.3198 C>T damages the natural splice acceptor site which may lead to abnormal gene splicing. However, other in-silico models are uninformative and in the absence of RNA/functional studies, the actual effect of this variant in this individual is unknown. Therefore, based on the currently available information, it is unclear whether this variant is a pathogenic variant or a rare benign variant.